The following is an entry in ClinVar:

NM_005359.6(SMAD4):c.1570T>C (p.Trp524Arg)

Gene: SMAD4 (SMAD family member 4; plus strand). Cytogenetic location: 18q21.2.
Variant type: single nucleotide variant.
Coding change: c.1570T>C on transcript NM_005359.6 (MANE Select); coding-DNA position 1570, T replaced by C.
Protein change: p.Trp524Arg; replaces tryptophan 524 with arginine.
Molecular consequence: missense variant.
Genome position (GRCh38, 1-based): chr18:51,078,378, T>C. VCF-style: chr18-51078378-T-C. GRCh37 (hg19) VCF-style: chr18-48604748-T-C.
Other names: short protein forms W524R.
Identifiers: ClinVar variation 1027090 (VCV001027090.9), dbSNP rs1910523788, ClinGen allele CA402466055.

ClinVar aggregate classification (germline): Uncertain significance (1 of 4 stars; one submission).

Conditions:
Juvenile polyposis syndrome (JPS). Identifiers: Orphanet 2929, MedGen C0345893, MONDO:0017380, OMIM 174900.

Submission:

Labcorp Genetics (formerly Invitae), Labcorp
Classification: Uncertain significance for Juvenile polyposis syndrome. Last evaluated: 2020-03-09. Review status: criteria provided, single submitter. Criteria: Invitae Variant Classification Sherloc (09022015). Collection method: clinical testing. Allele origin: germline.
Comment: This variant is not present in population databases (ExAC no frequency). In summary, the available evidence is currently insufficient to determine the role of this variant in disease. Therefore, it has been classified as a Variant of Uncertain Significance. Algorithms developed to predict the effect of missense changes on protein structure and function (SIFT, PolyPhen-2, Align-GVGD) all suggest that this variant is likely to be disruptive, but these predictions have not been confirmed by published functional studies and their clinical significance is uncertain. This variant has been observed in individual(s) with clinical features of hereditary hemorrhagic telangiectasia (Invitae). This sequence change replaces tryptophan with arginine at codon 524 of the SMAD4 protein (p.Trp524Arg). The tryptophan residue is highly conserved and there is a moderate physicochemical difference between tryptophan and arginine.